The following is an entry in ClinVar:

ClinVar aggregate classification (germline): Benign (1 of 4 stars; one submission).

Conditions:
Hereditary leiomyomatosis and renal cell cancer. Also called: MULTIPLE CUTANEOUS AND UTERINE LEIOMYOMATA 1, WITH OR WITHOUT RENAL CELL CARCINOMA; LEIOMYOMA, MULTIPLE CUTANEOUS; FH tumor predisposition syndrome; Reed syndrome; Multiple cutaneous and uterine leiomyomatosis; Cutaneous leiomyomata with uterine leiomyomata. Identifiers: Orphanet 523, MedGen C1708350, MONDO:0007888, OMIM 150800, HP:0007437. Disease mechanism: loss of function.

Submission:

Myriad Genetics, Inc.
Classification: Benign for Hereditary leiomyomatosis and renal cell cancer. Last evaluated: 2024-10-21. Review status: criteria provided, single submitter. Criteria: Myriad Autosomal Dominant, Autosomal Recessive and X-Linked Classification Criteria (2023). Collection method: clinical testing. Allele origin: unknown.
Comment: This variant is considered benign. This variant is a silent/synonymous amino acid change and it is not expected to impact splicing.

NM_000143.4(FH):c.1305G>C (p.Val435=)

Gene: FH (fumarate hydratase; minus strand). Cytogenetic location: 1q43.
Variant type: single nucleotide variant.
Coding change: c.1305G>C on transcript NM_000143.4 (MANE Select); coding-DNA position 1305, G replaced by C.
Protein change: p.Val435=; no amino-acid change (valine 435 retained).
Molecular consequence: synonymous variant.
Genome position (GRCh38, 1-based): chr1:241,500,522, C>G on the plus strand (G>C on the coding strand, the complement: FH is on the minus strand). VCF-style: chr1-241500522-C-G. GRCh37 (hg19) VCF-style: chr1-241663822-C-G.
Identifiers: ClinVar variation 3773049 (VCV003773049.1).
Genomic context (GRCh38, chr1:241,500,522, plus strand): 5'-CAACATTAGAGACTCATTCATCAGCTTGTTGATCCTTTCTGTATTGGCCTGGATTCCCAC[C>G]ACGCAGTTTTCTGTAAAGGAAACTGAAGCATCCCCCAGCAGCCTGGCTGAGTGTAACACA-3'
Protein context (NP_000134.2, residues 425-445): DASVSFTENC[Val435=]VGIQANTERI